The following is an entry in ClinVar:

ClinVar aggregate classification (germline): Uncertain significance (1 of 4 stars; one submission).

Conditions:
Familial intrahepatic cholestasis. Identifiers: Orphanet 284385, MedGen CN296401, MONDO:0017290.

Submission:

Genomenon, Inc
Classification: Uncertain significance for Familial intrahepatic cholestasis. Last evaluated: 2026-04-14. Review status: criteria provided, single submitter. Criteria: Genomenon Sequence Variant Interpretation Standards - Updated. Collection method: curation. Allele origin: germline. Affected: yes.
Comment: ABCB11 p.Ile1280Asn (c.3839T>A) is a missense variant that changes the amino acid at residue 1280 from Isoleucine to Asparagine. This variant has been observed in at least one proband with an ABCB11-related disorder (PMID:26858187). It is absent or not present at a significant frequency in gnomAD. In silico models predict that this variant is possibly or probably damaging. In conclusion, we classify ABCB11 p.Ile1280Asn (c.3839T>A) as a variant of uncertain significance.

Literature cited by the submitters: PubMed 26858187.

NM_003742.4(ABCB11):c.3839T>A (p.Ile1280Asn)

Gene: ABCB11 (ATP binding cassette subfamily B member 11; minus strand). Cytogenetic location: 2q31.1.
Variant type: single nucleotide variant.
Coding change: c.3839T>A on transcript NM_003742.4 (MANE Select); coding-DNA position 3839, T replaced by A.
Protein change: p.Ile1280Asn; replaces isoleucine 1280 with asparagine.
Molecular consequence: missense variant.
Genome position (GRCh38, 1-based): chr2:168,923,749, A>T on the plus strand (T>A on the coding strand, the complement: ABCB11 is on the minus strand). VCF-style: chr2-168923749-A-T. GRCh37 (hg19) VCF-style: chr2-169780259-A-T.
Other names: short protein forms I1280N.
Identifiers: ClinVar variation 4846041 (VCV004846041.1).